The following is an entry in ClinVar:

ClinVar aggregate classification (germline): Uncertain significance (1 of 4 stars; one submission).

Conditions:
Cardiovascular phenotype. Identifiers: MedGen CN230736.

Submission:

Ambry Genetics
Classification: Uncertain significance for Cardiovascular phenotype. Last evaluated: 2023-12-12. Review status: criteria provided, single submitter. Criteria: Ambry Variant Classification Scheme 2023. Collection method: clinical testing. Allele origin: germline.
Comment: The p.E1311Q variant (also known as c.3931G>C), located in coding exon 9 of the TNXB gene, results from a G to C substitution at nucleotide position 3931. The glutamic acid at codon 1311 is replaced by glutamine, an amino acid with highly similar properties. This amino acid position is conserved. In addition, this alteration is predicted to be tolerated by in silico analysis. Since supporting evidence is limited at this time, the clinical significance of this alteration remains unclear.

NM_001365276.2(TNXB):c.3931G>C (p.Glu1311Gln)

Gene: TNXB (tenascin XB; minus strand). Cytogenetic location: 6p21.33.
Variant type: single nucleotide variant.
Coding change: c.3931G>C on transcript NM_001365276.2 (MANE Select); coding-DNA position 3931, G replaced by C.
Protein change: p.Glu1311Gln; replaces glutamic acid 1311 with glutamine.
Molecular consequence: missense variant.
Genome position (GRCh38, 1-based): chr6:32,081,479, C>G on the plus strand (G>C on the coding strand, the complement: TNXB is on the minus strand). VCF-style: chr6-32081479-C-G. GRCh37 (hg19) VCF-style: chr6-32049256-C-G.
Other names: c.4672G>C, p.Glu1558Gln (NM_001428335.1); c.3931G>C, p.Glu1311Gln (NM_019105.8); short protein forms E1311Q, E1558Q.
Identifiers: ClinVar variation 3227271 (VCV003227271.1), dbSNP rs1294871605, ClinGen allele CA363432740.